The following is an entry in ClinVar:

ClinVar aggregate classification (germline): Uncertain significance. Review status: criteria provided, multiple submitters, no conflicts (2 of 4 stars). 2 submissions from 2 submitters: Uncertain significance (2). Last evaluated 2025-10-27.

Conditions:
Hereditary cancer-predisposing syndrome. Also called: Neoplastic Syndromes, Hereditary; Hereditary neoplastic syndrome; Tumor predisposition; Hereditary Cancer Syndrome. Identifiers: Orphanet 140162, MedGen C0027672, MeSH D009386, MONDO:0015356.

Allele frequency attached by ClinVar (database versions not stated): TOPMed 0.00001.

Submissions (2):

Labcorp Genetics (formerly Invitae), Labcorp
Classification: Uncertain significance for Hereditary cancer-predisposing syndrome. Last evaluated: 2025-10-27. Review status: criteria provided, single submitter. Criteria: Invitae Variant Classification Sherloc (09022015). Collection method: clinical testing. Allele origin: germline.
Comment: This sequence change replaces glycine, which is neutral and non-polar, with glutamic acid, which is acidic and polar, at codon 63 of the RAD50 protein (p.Gly63Glu). This variant is not present in population databases (gnomAD no frequency). This variant has not been reported in the literature in individuals affected with RAD50-related conditions. ClinVar contains an entry for this variant (Variation ID: 240221). Invitae Evidence Modeling of protein sequence and biophysical properties (such as structural, functional, and spatial information, amino acid conservation, physicochemical variation, residue mobility, and thermodynamic stability) indicates that this missense variant is expected to disrupt RAD50 protein function with a positive predictive value of 80%. In summary, the available evidence is currently insufficient to determine the role of this variant in disease. Therefore, it has been classified as a Variant of Uncertain Significance.

Ambry Genetics
Classification: Uncertain significance for Hereditary cancer-predisposing syndrome. Last evaluated: 2022-12-05. Review status: criteria provided, single submitter. Criteria: Ambry Variant Classification Scheme 2023. Collection method: clinical testing. Allele origin: germline.
Comment: The p.G63E variant (also known as c.188G>A), located in coding exon 2 of the RAD50 gene, results from a G to A substitution at nucleotide position 188. The glycine at codon 63 is replaced by glutamic acid, an amino acid with similar properties. This amino acid position is highly conserved in available vertebrate species. In addition, the in silico prediction for this alteration is inconclusive. Since supporting evidence is limited at this time, the clinical significance of this alteration remains unclear.

NM_005732.4(RAD50):c.188G>A (p.Gly63Glu)

Gene: RAD50 (RAD50 double strand break repair protein; plus strand). Cytogenetic location: 5q31.1.
Variant type: single nucleotide variant.
Coding change: c.188G>A on transcript NM_005732.4 (MANE Select); coding-DNA position 188, G replaced by A.
Protein change: p.Gly63Glu; replaces glycine 63 with glutamic acid.
Molecular consequence: missense variant.
Genome position (GRCh38, 1-based): chr5:132,559,342, G>A. VCF-style: chr5-132559342-G-A. GRCh37 (hg19) VCF-style: chr5-131895034-G-A.
Other names: short protein forms G63E.
Identifiers: ClinVar variation 240221 (VCV000240221.16), dbSNP rs878854789, ClinGen allele CA10582369.